The following is an entry in ClinVar:

ClinVar aggregate classification (germline): Uncertain significance (1 of 4 stars; one submission).

Conditions:
Primary ciliary dyskinesia. Also called: Ciliary dyskinesia. Identifiers: Orphanet 244, MedGen C0008780, MONDO:0016575, HP:0012265.

gnomAD v4.1: 1 of 1,614,078 alleles (0.000062%); highest among the groups gnomAD compares: Admixed American, 0.0017%; no homozygotes.

Submission:

Ambry Genetics
Classification: Uncertain significance for Primary ciliary dyskinesia. Last evaluated: 2025-11-04. Review status: criteria provided, single submitter. Criteria: Ambry Variant Classification Scheme 2023. Collection method: clinical testing. Allele origin: germline.
Comment: The p.N3810K variant (also known as c.11430C>G), located in coding exon 66 of the DNAH5 gene, results from a C to G substitution at nucleotide position 11430. The asparagine at codon 3810 is replaced by lysine, an amino acid with similar properties. This amino acid position is conserved. In addition, this alteration is predicted to be tolerated by in silico analysis. Based on the available evidence, the clinical significance of this variant remains unclear.

NM_001369.3(DNAH5):c.11430C>G (p.Asn3810Lys)

Gene: DNAH5 (dynein axonemal heavy chain 5; minus strand). Cytogenetic location: 5p15.2.
Variant type: single nucleotide variant.
Coding change: c.11430C>G on transcript NM_001369.3 (MANE Select); coding-DNA position 11430, C replaced by G.
Protein change: p.Asn3810Lys; replaces asparagine 3810 with lysine.
Molecular consequence: missense variant.
Genome position (GRCh38, 1-based): chr5:13,737,277, G>C on the plus strand (C>G on the coding strand, the complement: DNAH5 is on the minus strand). VCF-style: chr5-13737277-G-C. GRCh37 (hg19) VCF-style: chr5-13737386-G-C.
Other names: short protein forms N3810K.
Identifiers: ClinVar variation 4623849 (VCV004623849.1).